The following is an entry in ClinVar:

ClinVar aggregate classification (germline): Uncertain significance. Review status: criteria provided, multiple submitters, no conflicts (2 of 4 stars). 3 submissions from 3 submitters: Uncertain significance (3). Last evaluated 2024-07-16.

Conditions:
Inborn genetic diseases. Identifiers: MedGen C0950123, MeSH D030342.
Autosomal dominant nocturnal frontal lobe epilepsy 5. Also called: CILIARY DYSKINESIA, PRIMARY, 28, WITH SITUS INVERSUS; KCNT1-Related Epilepsy; CILIARY DYSKINESIA, PRIMARY, 28, WITHOUT SITUS INVERSUS; Epilepsy, nocturnal frontal lobe, 5. Identifiers: Orphanet 98784, MedGen C3554306, MONDO:0014002, OMIM 615005.
Developmental and epileptic encephalopathy, 14 (DEE14). Also called: Early infantile epileptic encephalopathy 14. Identifiers: Orphanet 293181, MedGen C3554195, MONDO:0013989, OMIM 614959.

Allele frequency attached by ClinVar (database versions not stated): ExAC 0.00001; gnomAD exomes 0.00001 and 0.00002; gnomAD 0.00002; TOPMed 0.00002.
gnomAD v4.1: 15 of 1,603,944 alleles (0.00094%); highest among the groups gnomAD compares: African/African-American, 0.0027%; no homozygotes.

Submissions (3):

GeneDx
Classification: Uncertain significance. Last evaluated: 2024-07-16. Review status: criteria provided, single submitter. Criteria: GeneDx Variant Classification Process June 2021. Collection method: clinical testing. Allele origin: germline. Affected: yes.
Comment: In silico analysis supports that this missense variant has a deleterious effect on protein structure/function; Has not been previously published as pathogenic or benign to our knowledge

Labcorp Genetics (formerly Invitae), Labcorp
Classification: Uncertain significance for Autosomal dominant nocturnal frontal lobe epilepsy 5; Developmental and epileptic encephalopathy, 14. Last evaluated: 2024-01-16. Review status: criteria provided, single submitter. Criteria: Invitae Variant Classification Sherloc (09022015). Collection method: clinical testing. Allele origin: germline.
Comment: This sequence change replaces arginine, which is basic and polar, with histidine, which is basic and polar, at codon 1200 of the KCNT1 protein (p.Arg1200His). This variant is present in population databases (rs780857518, gnomAD 0.01%). This variant has not been reported in the literature in individuals affected with KCNT1-related conditions. ClinVar contains an entry for this variant (Variation ID: 1379727). Advanced modeling of protein sequence and biophysical properties (such as structural, functional, and spatial information, amino acid conservation, physicochemical variation, residue mobility, and thermodynamic stability) has been performed at Invitae for this missense variant, however the output from this modeling did not meet the statistical confidence thresholds required to predict the impact of this variant on KCNT1 protein function. In summary, the available evidence is currently insufficient to determine the role of this variant in disease. Therefore, it has been classified as a Variant of Uncertain Significance.

Ambry Genetics
Classification: Uncertain significance for Inborn genetic diseases. Last evaluated: 2021-07-19. Review status: criteria provided, single submitter. Criteria: Ambry Variant Classification Scheme 2023. Collection method: clinical testing. Allele origin: germline.

NM_020822.3(KCNT1):c.3599G>A (p.Arg1200His)

Gene: KCNT1 (potassium sodium-activated channel subfamily T member 1; plus strand). Cytogenetic location: 9q34.3.
Variant type: single nucleotide variant.
Coding change: c.3599G>A on transcript NM_020822.3 (MANE Select); coding-DNA position 3599, G replaced by A.
Protein change: p.Arg1200His; replaces arginine 1200 with histidine.
Molecular consequence: missense variant.
Genome position (GRCh38, 1-based): chr9:135,792,052, G>A. VCF-style: chr9-135792052-G-A. GRCh37 (hg19) VCF-style: chr9-138683898-G-A.
Other names: c.3527G>A, p.Arg1176His (NM_001272003.2); c.3599G>A (NM_020822.2); short protein forms R1176H, R1200H.
Identifiers: ClinVar variation 1379727 (VCV001379727.10), dbSNP rs780857518, ClinGen allele CA5327994.